The following is an entry in ClinVar:

NM_052813.5(CARD9):c.1350dup (p.Asp451fs)

Gene: CARD9 (caspase recruitment domain family member 9; minus strand). Cytogenetic location: 9q34.3.
Variant type: Duplication.
Coding change: c.1350dup on transcript NM_052813.5 (MANE Select); coding-DNA position 1350, one base duplicated (A; older notation c.1350dupA).
Protein change: p.Asp451fs; shifts the reading frame from aspartic acid 451.
Molecular consequence: frameshift variant.
Genome position (GRCh38, 1-based): chr9:136,366,807, T duplicated on the plus strand (A on the coding strand, the reverse complement: CARD9 is on the minus strand). VCF-style (leftmost placement, unchanged base first): chr9-136366806-C-CT. GRCh37 (hg19) VCF-style: chr9-139261258-C-CT.
Other names: c.1350dup, p.Asp451fs (NM_052814.4); short protein forms D451fs.
Identifiers: ClinVar variation 2040735 (VCV002040735.4), dbSNP rs1260364391, ClinGen allele CA861029641.
Genomic context (GRCh38, chr9:136,366,806, plus strand): 5'-GCCTCACTTGGGGAAGCTGGGAGGCCTCTGGGTGTACTGCTGTCCCCACCTCACCTTTGT[C>CT]TGAGAGCTGGGTGTCCTCCAGGTCCTGGGGGAGTGAGAGCTTCCAAAGAGAGTCAAGATG-3'

ClinVar aggregate classification (germline): Pathogenic (1 of 4 stars; one submission).

Conditions:
Predisposition to invasive fungal disease due to CARD9 deficiency (IMD103). Also called: CARD9 IMMUNODEFICIENCY; IMMUNODEFICIENCY 103, SUSCEPTIBILITY TO FUNGAL INFECTIONS; Candidiasis, familial, 2, autosomal recessive. Identifiers: Orphanet 457088, MedGen C1859353, MONDO:0008905, OMIM 212050.

Submission:

Labcorp Genetics (formerly Invitae), Labcorp
Classification: Pathogenic for Predisposition to invasive fungal disease due to CARD9 deficiency. Last evaluated: 2021-12-12. Review status: criteria provided, single submitter. Criteria: Invitae Variant Classification Sherloc (09022015). Collection method: clinical testing. Allele origin: germline.
Comment: For these reasons, this variant has been classified as Pathogenic. This variant has not been reported in the literature in individuals affected with CARD9-related conditions. This variant is not present in population databases (gnomAD no frequency). This sequence change creates a premature translational stop signal (p.Asp451Argfs*29) in the CARD9 gene. It is expected to result in an absent or disrupted protein product. Loss-of-function variants in CARD9 are known to be pathogenic (PMID: 19864672, 24131138, 24231284).

Literature cited by the submitters: PubMed 19864672; PubMed 24131138; PubMed 24231284.